The following is an entry in ClinVar:

ClinVar aggregate classification (germline): Pathogenic (1 of 4 stars; one submission).

Conditions:
Autosomal recessive polycystic kidney disease (ARPKD). Also called: AR polycystic kidney disease. Identifiers: Orphanet 731, Orphanet 8378, MedGen C0085548, MeSH D017044, MONDO:0009889.

Allele frequency attached by ClinVar (database versions not stated): gnomAD exomes below 0.00001.
gnomAD v4.1: 3 of 1,610,896 alleles (0.00019%); highest among the groups gnomAD compares: Non-Finnish European, 0.00025%; no homozygotes.

Submission:

Labcorp Genetics (formerly Invitae), Labcorp
Classification: Pathogenic for Autosomal recessive polycystic kidney disease. Last evaluated: 2022-01-26. Review status: criteria provided, single submitter. Criteria: Invitae Variant Classification Sherloc (09022015). Collection method: clinical testing. Allele origin: germline.
Comment: This sequence change affects an acceptor splice site in intron 49 of the PKHD1 gene. It is expected to disrupt RNA splicing. Variants that disrupt the donor or acceptor splice site typically lead to a loss of protein function (PMID: 16199547), and loss-of-function variants in PKHD1 are known to be pathogenic (PMID: 19940839). This variant is present in population databases (no rsID available, gnomAD 0.0009%). Disruption of this splice site has been observed in individuals with clinical features of autosomal recessive polycystic kidney disease (PMID: 15805161, 27225849). Algorithms developed to predict the effect of sequence changes on RNA splicing suggest that this variant may disrupt the consensus splice site. For these reasons, this variant has been classified as Pathogenic.

Literature cited by the submitters: PubMed 16199547; PubMed 19940839; PubMed 15805161; PubMed 27225849.

NM_138694.4(PKHD1):c.7912-1G>C

Gene: PKHD1 (PKHD1 ciliary IPT domain containing fibrocystin/polyductin; minus strand). Cytogenetic location: 6p12.2.
Variant type: single nucleotide variant.
Coding change: c.7912-1G>C on transcript NM_138694.4 (MANE Select); the canonical splice acceptor site of the intron before coding-DNA position 7912, G replaced by C.
Molecular consequence: splice acceptor variant.
Genome position (GRCh38, 1-based): chr6:51,847,971, C>G on the plus strand (G>C on the coding strand, the complement: PKHD1 is on the minus strand). VCF-style: chr6-51847971-C-G. GRCh37 (hg19) VCF-style: chr6-51712769-C-G.
Other names: c.7912-1G>C (NM_170724.3).
Identifiers: ClinVar variation 1454286 (VCV001454286.6), dbSNP rs1160209891, ClinGen allele CA364429630.
Genomic context (GRCh38, chr6:51,847,971, plus strand): 5'-ATCTGTGTGCACCAGCAGTAGGTAATTACCAGGAGCAAAGTTGTCAAAGGTTGCTGAGTA[C>G]TTGAAGTGAAAGAAAAACACAATAGTGCTCATTTAGTAAGGAACCCCATCATTCCACCTA-3'